The following is an entry in ClinVar:

NM_001194998.2(CEP152):c.2207T>C (p.Val736Ala)

Gene: CEP152 (centrosomal protein 152; minus strand). Cytogenetic location: 15q21.1.
Variant type: single nucleotide variant.
Coding change: c.2207T>C on transcript NM_001194998.2 (MANE Select); coding-DNA position 2207, T replaced by C.
Protein change: p.Val736Ala; replaces valine 736 with alanine.
Molecular consequence: missense variant.
Genome position (GRCh38, 1-based): chr15:48,767,133, A>G on the plus strand (T>C on the coding strand, the complement: CEP152 is on the minus strand). VCF-style: chr15-48767133-A-G. GRCh37 (hg19) VCF-style: chr15-49059330-A-G.
Other names: c.2207T>C (NM_014985.3); c.2207T>C, p.Val736Ala (NM_014985.4); short protein forms V736A.
Identifiers: ClinVar variation 1374752 (VCV001374752.9), dbSNP rs767225850, ClinGen allele CA7548638.

ClinVar aggregate classification (germline): Uncertain significance. Review status: criteria provided, multiple submitters, no conflicts (2 of 4 stars). 2 submissions from 2 submitters: Uncertain significance (2). Last evaluated 2025-12-30.

Conditions:
Inborn genetic diseases. Identifiers: MedGen C0950123, MeSH D030342.

Allele frequency attached by ClinVar (database versions not stated): gnomAD exomes below 0.00001; ExAC 0.00001; gnomAD 0.00002; TOPMed 0.00006.
gnomAD v4.1: 9 of 1,613,650 alleles (0.00056%); highest among the groups gnomAD compares: Admixed American, 0.0083%; no homozygotes.

Submissions (2):

Ambry Genetics
Classification: Uncertain significance for Inborn genetic diseases. Last evaluated: 2025-12-30. Review status: criteria provided, single submitter. Criteria: Ambry Variant Classification Scheme 2023. Collection method: clinical testing. Allele origin: germline.
Comment: The c.2207T>C (p.V736A) alteration is located in exon 17 (coding exon 16) of the CEP152 gene. This alteration results from a T to C substitution at nucleotide position 2207, causing the valine (V) at amino acid position 736 to be replaced by an alanine (A). Based on data from gnomAD, the C allele has an overall frequency of <0.001% (1/249262) total alleles studied. The highest observed frequency was 0.001% (1/113224) of European (non-Finnish) alleles. Based on insufficient or conflicting evidence, the clinical significance of this alteration remains unclear.

Labcorp Genetics (formerly Invitae), Labcorp
Classification: Uncertain significance. Last evaluated: 2023-12-11. Review status: criteria provided, single submitter. Criteria: Invitae Variant Classification Sherloc (09022015). Collection method: clinical testing. Allele origin: germline.
Comment: This sequence change replaces valine, which is neutral and non-polar, with alanine, which is neutral and non-polar, at codon 736 of the CEP152 protein (p.Val736Ala). This variant is present in population databases (rs767225850, gnomAD 0.0009%). This variant has not been reported in the literature in individuals affected with CEP152-related conditions. ClinVar contains an entry for this variant (Variation ID: 1374752). Advanced modeling of protein sequence and biophysical properties (such as structural, functional, and spatial information, amino acid conservation, physicochemical variation, residue mobility, and thermodynamic stability) has been performed at Invitae for this missense variant, however the output from this modeling did not meet the statistical confidence thresholds required to predict the impact of this variant on CEP152 protein function. In summary, the available evidence is currently insufficient to determine the role of this variant in disease. Therefore, it has been classified as a Variant of Uncertain Significance.